The following is an entry in ClinVar:

NM_057175.5(NAA15):c.1447C>T (p.Gln483Ter)

Gene: NAA15 (N-alpha-acetyltransferase 15, NatA auxiliary subunit; plus strand). Cytogenetic location: 4q31.1.
Variant type: single nucleotide variant.
Coding change: c.1447C>T on transcript NM_057175.5 (MANE Select); coding-DNA position 1447, C replaced by T.
Protein change: p.Gln483Ter; replaces glutamine 483 with a stop codon.
Molecular consequence: nonsense.
Genome position (GRCh38, 1-based): chr4:139,360,536, C>T. VCF-style: chr4-139360536-C-T. GRCh37 (hg19) VCF-style: chr4-140281690-C-T.
Other names: c.1447C>T, p.Gln483Ter (NM_001410842.1, NM_025085.2); short protein forms Q483*.
Identifiers: ClinVar variation 2245562 (VCV002245562.3), dbSNP rs2530418844, ClinGen allele CA358267704.
Genomic context (GRCh38, chr4:139,360,536, plus strand): 5'-TGAAAATATTTGATTTCTGTATAGGAAGGAACATCAGCGGTAGAGAATTTGAATGAAATG[C>T]AGTGCATGTGGTTCCAAACAGAATGTGCCCAGGCTTATAAAGCAATGAATAAATTTGGTG-3'

ClinVar aggregate classification (germline): Pathogenic (1 of 4 stars; one submission).

Conditions:
Inborn genetic diseases. Identifiers: MedGen C0950123, MeSH D030342.

Allele frequency attached by ClinVar (database versions not stated): gnomAD exomes below 0.00001.
gnomAD v4.1: 2 of 1,600,818 alleles (0.00012%); highest among the groups gnomAD compares: South Asian, 0.0011%; no homozygotes.

Submission:

Ambry Genetics
Classification: Pathogenic for Inborn genetic diseases. Last evaluated: 2026-05-13. Review status: criteria provided, single submitter. Criteria: Ambry Variant Classification Scheme 2023. Collection method: clinical testing. Allele origin: germline.
Comment: The c.1447C>T (p.Q483*) alteration, located in exon 13 (coding exon 13) of the NAA15 gene, consists of a C to T substitution at nucleotide position 1447. This changes the amino acid from a glutamine (Q) to a stop codon at amino acid position 483. This alteration is expected to result in loss of function by premature protein truncation or nonsense-mediated mRNA decay. This variant was not reported in population-based cohorts in the Genome Aggregation Database (gnomAD). Based on the available evidence, this alteration is classified as pathogenic.